The following is an entry in ClinVar:

NM_020061.6(OPN1LW):c.347C>A (p.Ser116Tyr)

Gene: OPN1LW (opsin 1, long wave sensitive; plus strand). Cytogenetic location: Xq28.
Variant type: single nucleotide variant.
Coding change: c.347C>A on transcript NM_020061.6 (MANE Select); coding-DNA position 347, C replaced by A.
Protein change: p.Ser116Tyr; replaces serine 116 with tyrosine.
Molecular consequence: missense variant.
Genome position (GRCh38, 1-based): chrX:154,150,890, C>A. VCF-style: chrX-154150890-C-A. GRCh37 (hg19) VCF-style: chrX-153416362-C-A.
Other names: short protein forms S116Y.
Identifiers: ClinVar variation 2661786 (VCV002661786.24), dbSNP rs1065422, ClinGen allele CA10558783.

ClinVar aggregate classification (germline): Likely benign (1 of 4 stars; one submission).

Allele frequency attached by ClinVar (database versions not stated): gnomAD 0.00030; gnomAD exomes 0.00048; ExAC 0.00078.
gnomAD v4.1: 551 of 1,192,456 alleles (0.046%); highest among the groups gnomAD compares: Admixed American, 0.11%; 16 homozygotes.

Submission:

CeGaT Center for Human Genetics Tuebingen
Classification: Likely benign. Last evaluated: 2023-04-01. Review status: criteria provided, single submitter. Criteria: CeGaT Center For Human Genetics Tuebingen Variant Classification Criteria Version 2. Collection method: clinical testing. Allele origin: germline. Affected: yes. Observed: 1 variant allele.
Comment: OPN1LW: BP4, BS2